The following is an entry in ClinVar:

ClinVar aggregate classification (germline): Uncertain significance (1 of 4 stars; one submission).

Allele frequency attached by ClinVar (database versions not stated): gnomAD exomes below 0.00001; ExAC 0.00002.

Submission:

Labcorp Genetics (formerly Invitae), Labcorp
Classification: Uncertain significance. Last evaluated: 2023-11-13. Review status: criteria provided, single submitter. Criteria: Invitae Variant Classification Sherloc (09022015). Collection method: clinical testing. Allele origin: germline.
Comment: This sequence change replaces alanine, which is neutral and non-polar, with valine, which is neutral and non-polar, at codon 267 of the SLC25A4 protein (p.Ala267Val). This variant is present in population databases (rs776973147, gnomAD 0.006%). This variant has not been reported in the literature in individuals affected with SLC25A4-related conditions. Advanced modeling of protein sequence and biophysical properties (such as structural, functional, and spatial information, amino acid conservation, physicochemical variation, residue mobility, and thermodynamic stability) performed at Invitae indicates that this missense variant is not expected to disrupt SLC25A4 protein function with a negative predictive value of 80%. In summary, the available evidence is currently insufficient to determine the role of this variant in disease. Therefore, it has been classified as a Variant of Uncertain Significance.

NM_001151.4(SLC25A4):c.800C>T (p.Ala267Val)

Gene: SLC25A4 (solute carrier family 25 member 4; plus strand). Cytogenetic location: 4q35.1.
Variant type: single nucleotide variant.
Coding change: c.800C>T on transcript NM_001151.4 (MANE Select); coding-DNA position 800, C replaced by T.
Protein change: p.Ala267Val; replaces alanine 267 with valine.
Molecular consequence: missense variant.
Genome position (GRCh38, 1-based): chr4:185,146,874, C>T. VCF-style: chr4-185146874-C-T. GRCh37 (hg19) VCF-style: chr4-186068028-C-T.
Other names: short protein forms A267V.
Identifiers: ClinVar variation 2966287 (VCV002966287.3), dbSNP rs776973147, ClinGen allele CA3156591.